The following is an entry in ClinVar:

NM_000135.4(FANCA):c.2492T>C (p.Phe831Ser)

Gene: FANCA (FA complementation group A; minus strand). Cytogenetic location: 16q24.3.
Variant type: single nucleotide variant.
Coding change: c.2492T>C on transcript NM_000135.4 (MANE Select); coding-DNA position 2492, T replaced by C.
Protein change: p.Phe831Ser; replaces phenylalanine 831 with serine.
Molecular consequence: missense variant.
Genome position (GRCh38, 1-based): chr16:89,769,849, A>G on the plus strand (T>C on the coding strand, the complement: FANCA is on the minus strand). VCF-style: chr16-89769849-A-G. GRCh37 (hg19) VCF-style: chr16-89836257-A-G.
Other names: c.2492T>C, p.Phe831Ser (NM_001286167.3); short protein forms F831S.
Identifiers: ClinVar variation 3848220 (VCV003848220.1).

ClinVar aggregate classification (germline): Uncertain significance (1 of 4 stars; one submission).

Conditions:
Inborn genetic diseases. Identifiers: MedGen C0950123, MeSH D030342.

Submission:

Ambry Genetics
Classification: Uncertain significance for Inborn genetic diseases. Last evaluated: 2025-02-09. Review status: criteria provided, single submitter. Criteria: Ambry Variant Classification Scheme 2023. Collection method: clinical testing. Allele origin: germline.
Comment: The p.F831S variant (also known as c.2492T>C), located in coding exon 26 of the FANCA gene, results from a T to C substitution at nucleotide position 2492. The phenylalanine at codon 831 is replaced by serine, an amino acid with highly dissimilar properties. This amino acid position is conserved. In addition, this alteration is predicted to be tolerated by in silico analysis. Based on the available evidence, the clinical significance of this variant remains unclear.